The following is an entry in ClinVar:

ClinVar aggregate classification (germline): Uncertain significance. Review status: criteria provided, multiple submitters, no conflicts (2 of 4 stars). 4 submissions from 4 submitters: Uncertain significance (4). Last evaluated 2026-01-21.

Conditions:
Hereditary cancer-predisposing syndrome. Also called: Tumor predisposition; Hereditary neoplastic syndrome; Hereditary Cancer Syndrome; Neoplastic Syndromes, Hereditary. Identifiers: Orphanet 140162, MedGen C0027672, MeSH D009386, MONDO:0015356.
Fanconi anemia complementation group J. Also called: BRIP1-Related Fanconi Anemia. Identifiers: Orphanet 84, MedGen C1836860, MONDO:0012187, OMIM 609054.
Familial cancer of breast. Also called: BREAST CANCER, FAMILIAL; hereditary breast carcinoma; Hereditary breast cancer. Identifiers: Orphanet 227535, MedGen C0346153, MONDO:0016419, OMIM 114480. Disease mechanism: loss of function.

Submissions (4):

Ambry Genetics
Classification: Uncertain significance for Hereditary cancer-predisposing syndrome. Last evaluated: 2026-01-21. Review status: criteria provided, single submitter. Criteria: Ambry Variant Classification Scheme 2023. Collection method: clinical testing. Allele origin: germline.

Labcorp Genetics (formerly Invitae), Labcorp
Classification: Uncertain significance for Familial cancer of breast; Fanconi anemia complementation group J. Last evaluated: 2024-12-02. Review status: criteria provided, single submitter. Criteria: Invitae Variant Classification Sherloc (09022015). Collection method: clinical testing. Allele origin: germline.
Comment: This sequence change replaces leucine, which is neutral and non-polar, with serine, which is neutral and polar, at codon 701 of the BRIP1 protein (p.Leu701Ser). This variant is not present in population databases (gnomAD no frequency). This missense change has been observed in individual(s) with colorectal cancer (PMID: 34250417). ClinVar contains an entry for this variant (Variation ID: 229921). Invitae Evidence Modeling of protein sequence and biophysical properties (such as structural, functional, and spatial information, amino acid conservation, physicochemical variation, residue mobility, and thermodynamic stability) indicates that this missense variant is expected to disrupt BRIP1 protein function with a positive predictive value of 95%. In summary, the available evidence is currently insufficient to determine the role of this variant in disease. Therefore, it has been classified as a Variant of Uncertain Significance.

Women's Health and Genetics/Laboratory Corporation of America, LabCorp
Classification: Uncertain significance. Last evaluated: 2023-07-31. Review status: criteria provided, single submitter. Criteria: LabCorp Variant Classification Summary - May 2015. Collection method: clinical testing. Allele origin: germline.
Comment: Variant summary: BRIP1 c.2102T>C (p.Leu701Ser) results in a non-conservative amino acid change located in the ATP-dependent helicase, C-terminal (IPR006555) of the encoded protein sequence. Five of five in-silico tools predict a damaging effect of the variant on protein function. The variant was absent in 250790 control chromosomes (gnomAD). The available data on variant occurrences in the general population are insufficient to allow any conclusion about variant significance. c.2102T>C has been reported in the literature in an individual affected with colorectal cancer without strong evidence of causality (Pearlman_2021). This report does not provide unequivocal conclusions about association of the variant with Breast Cancer. To our knowledge, no experimental evidence demonstrating an impact on protein function has been reported. The following publication has been ascertained in the context of this evaluation (PMID: 34250417). Three submitters have cited clinical-significance assessments for this variant to ClinVar after 2014. All submitters classified the variant as uncertain significance. Based on the evidence outlined above, the variant was classified as uncertain significance.

Color Diagnostics, LLC DBA Color Health
Classification: Uncertain significance for Hereditary cancer-predisposing syndrome. Last evaluated: 2019-04-04. Review status: criteria provided, single submitter. Criteria: ACMG Guidelines, 2015. Collection method: clinical testing. Allele origin: germline.

Literature cited by the submitters: PubMed 34250417 (cited by Labcorp Genetics (formerly Invitae), Labcorp and Women's Health and Genetics/Laboratory Corporation of America, LabCorp).

NM_032043.3(BRIP1):c.2102T>C (p.Leu701Ser)

Gene: BRIP1 (BRCA1 interacting DNA helicase 1; minus strand). Cytogenetic location: 17q23.2.
Variant type: single nucleotide variant.
Coding change: c.2102T>C on transcript NM_032043.3 (MANE Select); coding-DNA position 2102, T replaced by C.
Protein change: p.Leu701Ser; replaces leucine 701 with serine.
Molecular consequence: missense variant.
Genome position (GRCh38, 1-based): chr17:61,744,587, A>G on the plus strand (T>C on the coding strand, the complement: BRIP1 is on the minus strand). VCF-style: chr17-61744587-A-G. GRCh37 (hg19) VCF-style: chr17-59821948-A-G.
Other names: short protein forms L701S.
Identifiers: ClinVar variation 229921 (VCV000229921.14), dbSNP rs876658270, ClinGen allele CA10580815.